The following is an entry in ClinVar:

NM_021728.4(OTX2):c.290G>C (p.Arg97Pro)

Gene: OTX2 (orthodenticle homeobox 2; minus strand). Cytogenetic location: 14q22.3.
Variant type: single nucleotide variant.
Coding change: c.290G>C on transcript NM_021728.4 (MANE Select); coding-DNA position 290, G replaced by C.
Protein change: p.Arg97Pro; replaces arginine 97 with proline.
Molecular consequence: missense variant. On other transcripts: non-coding transcript variant (2).
Genome position (GRCh38, 1-based): chr14:56,802,339, C>G on the plus strand (G>C on the coding strand, the complement: OTX2 is on the minus strand). VCF-style: chr14-56802339-C-G. GRCh37 (hg19) VCF-style: chr14-57269057-C-G.
Other names: c.266G>C, p.Arg89Pro (NM_001270523.2, NM_001270524.2, NM_172337.3); c.290G>C, p.Arg97Pro (NM_001270525.2); short protein forms R89P, R97P.
Identifiers: ClinVar variation 4083384 (VCV004083384.1).
Genomic context (GRCh38, chr14:56,802,339, plus strand): 5'-CTCACTTTGTTTTGACCTCCATTCTGCTGTTGTTGCTGTTGTTGGCGGCACTTAGCTCTT[C>G]GATTCTTAAACCATACCTTGGAAGGGAAAGAAAATTCTTTAACTCGGTTTTGATAGTTCC-3'
Protein context (NP_068374.1, residues 87-107): ESRVQVWFKN[Arg97Pro]RAKCRQQQQQ

ClinVar aggregate classification (germline): Likely pathogenic (1 of 4 stars; one submission).

Submission:

GeneDx
Classification: Likely pathogenic. Last evaluated: 2025-03-06. Review status: criteria provided, single submitter. Criteria: GeneDx Variant Classification Process June 2021. Collection method: clinical testing. Allele origin: germline. Affected: yes.
Comment: Reported in a patient with ACTH deficiency, bilateral microphthalmia, and agenesis of the left internal carotid in published literature (PMID: 27299576); Published functional studies demonstrate loss of DNA binding and reduced transcriptional activity (PMID: 27299576); In silico analysis supports that this missense variant has a deleterious effect on protein structure/function; Not observed at significant frequency in large population cohorts (gnomAD); Also known as c.266G>C, p.Arg89Pro; This variant is associated with the following publications: (PMID: 27299576)